The following is an entry in ClinVar:

NM_001378120.1(MBD5):c.992A>C (p.Lys331Thr)

Gene: MBD5 (methyl-CpG binding domain protein 5; plus strand). Cytogenetic location: 2q23.1.
Variant type: single nucleotide variant.
Coding change: c.992A>C on transcript NM_001378120.1 (MANE Select); coding-DNA position 992, A replaced by C.
Protein change: p.Lys331Thr; replaces lysine 331 with threonine.
Molecular consequence: missense variant.
Genome position (GRCh38, 1-based): chr2:148,468,935, A>C. VCF-style: chr2-148468935-A-C. GRCh37 (hg19) VCF-style: chr2-149226504-A-C.
Other names: c.992A>C, p.Lys331Thr (NM_018328.5); short protein forms K331T.
Identifiers: ClinVar variation 3026909 (VCV003026909.22), dbSNP rs2469859808, ClinGen allele CA348718148.
Genomic context (GRCh38, chr2:148,468,935, plus strand): 5'-AAAAACCAATGTGTAATTTTTCAACTAATATGGAAATACCACGAGCAATGTTCCACCACA[A>C]ACCACCCCAAGGCCCACCTCCCCCTCCTCCACCTTCTTGTGCTCTTCAGAAAAAGCCATT-3'
Protein context (NP_001365049.1, residues 321-341): MEIPRAMFHH[Lys331Thr]PPQGPPPPPP

ClinVar aggregate classification (germline): Uncertain significance (1 of 4 stars; one submission).

Submission:

CeGaT Center for Human Genetics Tuebingen
Classification: Uncertain significance. Last evaluated: 2024-01-01. Review status: criteria provided, single submitter. Criteria: CeGaT Center For Human Genetics Tuebingen Variant Classification Criteria Version 2. Collection method: clinical testing. Allele origin: germline. Affected: yes. Observed: 1 variant allele.
Comment: MBD5: PM2